The following is an entry in ClinVar:

NM_006885.4(ZFHX3):c.9459T>C (p.Gly3153=)

Genes: ZFHX3 (zinc finger homeobox 3; minus strand), ZFHX3-AS1 (ZFHX3 antisense RNA 1; plus strand). Cytogenetic location: 16q22.2.
Variant type: single nucleotide variant.
Coding change: c.9459T>C on transcript NM_006885.4 (MANE Select); coding-DNA position 9459, T replaced by C.
Protein change: p.Gly3153=; no amino-acid change (glycine 3153 retained).
Molecular consequence: synonymous variant.
Genome position (GRCh38, 1-based): chr16:72,788,817, A>G on the plus strand (T>C on the coding strand, the complement: ZFHX3 is on the minus strand). VCF-style: chr16-72788817-A-G. GRCh37 (hg19) VCF-style: chr16-72822716-A-G.
Other names: c.6717T>C, p.Gly2239= (NM_001164766.2); c.9459T>C, p.Gly3153= (NM_001386735.1).
Identifiers: ClinVar variation 2646819 (VCV002646819.24), dbSNP rs199567227, ClinGen allele CA8162853.

ClinVar aggregate classification (germline): Likely benign (1 of 4 stars; one submission).

Allele frequency attached by ClinVar (database versions not stated): gnomAD exomes 0.00005; ExAC 0.00007; 1000 Genomes Project 0.00020; 1000 Genomes Project 30x 0.00031.
gnomAD v4.1: 75 of 1,525,398 alleles (0.0049%); highest among the groups gnomAD compares: Middle Eastern, 0.071%; no homozygotes.

Submission:

CeGaT Center for Human Genetics Tuebingen
Classification: Likely benign. Last evaluated: 2026-06-01. Review status: criteria provided, single submitter. Criteria: CeGaT Center For Human Genetics Tuebingen Variant Classification Criteria Version 2. Collection method: clinical testing. Allele origin: germline. Affected: yes. Observed: 3 variant alleles.
Comment: ZFHX3: BP4, BP7